The following is an entry in ClinVar:

ClinVar aggregate classification (germline): Uncertain significance (1 of 4 stars; one submission).

Conditions:
Combined immunodeficiency due to LRBA deficiency. Also called: Common variable immunodeficiency 8, with autoimmunity. Identifiers: Orphanet 445018, MedGen C3553512, MONDO:0013863, OMIM 614700.

Submission:

Labcorp Genetics (formerly Invitae), Labcorp
Classification: Uncertain significance for Combined immunodeficiency due to LRBA deficiency. Last evaluated: 2022-04-24. Review status: criteria provided, single submitter. Criteria: Invitae Variant Classification Sherloc (09022015). Collection method: clinical testing. Allele origin: germline.
Comment: In summary, the available evidence is currently insufficient to determine the role of this variant in disease. Therefore, it has been classified as a Variant of Uncertain Significance. Algorithms developed to predict the effect of missense changes on protein structure and function are either unavailable or do not agree on the potential impact of this missense change (SIFT: "Tolerated"; PolyPhen-2: "Probably Damaging"; Align-GVGD: "Class C0"). This variant has not been reported in the literature in individuals affected with LRBA-related conditions. This variant is not present in population databases (gnomAD no frequency). This sequence change replaces valine, which is neutral and non-polar, with alanine, which is neutral and non-polar, at codon 242 of the LRBA protein (p.Val242Ala).

NM_001364905.1(LRBA):c.725T>C (p.Val242Ala)

Gene: LRBA (LPS responsive beige-like anchor protein; minus strand). Cytogenetic location: 4q31.3.
Variant type: single nucleotide variant.
Coding change: c.725T>C on transcript NM_001364905.1 (MANE Select); coding-DNA position 725, T replaced by C.
Protein change: p.Val242Ala; replaces valine 242 with alanine.
Molecular consequence: missense variant.
Genome position (GRCh38, 1-based): chr4:150,916,659, A>G on the plus strand (T>C on the coding strand, the complement: LRBA is on the minus strand). VCF-style: chr4-150916659-A-G. GRCh37 (hg19) VCF-style: chr4-151837811-A-G.
Other names: c.725T>C, p.Val242Ala (NM_001199282.3, NM_001367550.1, NM_006726.5); short protein forms V242A.
Identifiers: ClinVar variation 2130169 (VCV002130169.4), dbSNP rs2546666070, ClinGen allele CA358436493.